The following is an entry in ClinVar:

NM_002692.4(POLE2):c.1074-1G>T

Gene: POLE2 (DNA polymerase epsilon 2, accessory subunit; minus strand). Cytogenetic location: 14q21.3.
Variant type: single nucleotide variant.
Coding change: c.1074-1G>T on transcript NM_002692.4 (MANE Select); the canonical splice acceptor site of the intron before coding-DNA position 1074, G replaced by T.
Molecular consequence: splice acceptor variant. On other transcripts: intron variant (1).
Genome position (GRCh38, 1-based): chr14:49,654,215, C>A on the plus strand (G>T on the coding strand, the complement: POLE2 is on the minus strand). VCF-style: chr14-49654215-C-A. GRCh37 (hg19) VCF-style: chr14-50120933-C-A.
Other names: IVS13AS, G-T, -1; c.996-1G>T (NM_001197330.2); c.1074-4G>T (NM_001348384.2); c.843-1G>T (NM_001348385.2); c.1074-1G>T (NM_001197331.3).
Identifiers: ClinVar variation 1048531 (VCV001048531.4), dbSNP rs368577291, ClinGen allele CA7173381.

ClinVar aggregate classification (germline): Uncertain significance. Review status: criteria provided, single submitter (1 of 4 stars). 2 submissions from 2 submitters: Uncertain significance (1). 1 of the submissions does not count toward it. Last evaluated 2023-12-02.

Allele frequency attached by ClinVar (database versions not stated): gnomAD exomes 0.00001.
gnomAD v4.1: 18 of 1,602,062 alleles (0.0011%); highest among the groups gnomAD compares: Non-Finnish European, 0.0015%; no homozygotes.

Submissions (2):

Labcorp Genetics (formerly Invitae), Labcorp
Classification: Uncertain significance. Last evaluated: 2023-12-02. Review status: criteria provided, single submitter. Criteria: Invitae Variant Classification Sherloc (09022015). Collection method: clinical testing. Allele origin: germline.
Comment: This sequence change affects an acceptor splice site in intron 13 of the POLE2 gene. It is expected to disrupt RNA splicing. Variants that disrupt the donor or acceptor splice site typically lead to a loss of protein function (PMID: 16199547), however the current clinical and genetic evidence is not sufficient to establish whether loss-of-function variants in POLE2 cause disease. This variant is present in population databases (rs368577291, gnomAD 0.005%). Disruption of this splice site has been observed in individual(s) with combined immunodeficiency (PMID: 26365386). ClinVar contains an entry for this variant (Variation ID: 1048531). Studies have shown that disruption of this splice site is associated with inconclusive levels of altered splicing (PMID: 26365386). In summary, the available evidence is currently insufficient to determine the role of this variant in disease. Therefore, it has been classified as a Variant of Uncertain Significance.

OMIM
Classification: Uncertain significance for VARIANT OF UNKNOWN SIGNIFICANCE. Last evaluated: 2021-03-26. Review status: no assertion criteria provided. Collection method: literature only. Allele origin: germline. Not counted in ClinVar's aggregate classification.

Literature cited by the submitters: PubMed 16199547 (cited by Labcorp Genetics (formerly Invitae), Labcorp); PubMed 26365386 (cited by Labcorp Genetics (formerly Invitae), Labcorp and OMIM).